The following is an entry in ClinVar:

NM_000726.5(CACNB4):c.190G>A (p.Val64Ile)

Gene: CACNB4 (calcium voltage-gated channel auxiliary subunit beta 4; minus strand). Cytogenetic location: 2q23.3.
Variant type: single nucleotide variant.
Coding change: c.190G>A on transcript NM_000726.5 (MANE Select); coding-DNA position 190, G replaced by A.
Protein change: p.Val64Ile; replaces valine 64 with isoleucine.
Molecular consequence: missense variant. On other transcripts: 5 prime UTR variant (2).
Genome position (GRCh38, 1-based): chr2:151,883,328, C>T on the plus strand (G>A on the coding strand, the complement: CACNB4 is on the minus strand). VCF-style: chr2-151883328-C-T. GRCh37 (hg19) VCF-style: chr2-152739842-C-T.
Other names: c.136G>A, p.Val46Ile (NM_001005746.4, NM_001330113.2); c.88G>A, p.Val30Ile (NM_001005747.4, NM_001330115.2); c.190G>A, p.Val64Ile (NM_001145798.3); c.49G>A, p.Val17Ile (NM_001320722.3, NM_001330116.2, NM_001330118.2); c.-445G>A (NM_001330114.2); c.-369G>A (NM_001330117.2); short protein forms V17I, V30I, V46I, V64I.
Identifiers: ClinVar variation 3342034 (VCV003342034.16).

ClinVar aggregate classification (germline): Uncertain significance (1 of 4 stars; one submission).

Submission:

CeGaT Center for Human Genetics Tuebingen
Classification: Uncertain significance. Last evaluated: 2024-08-01. Review status: criteria provided, single submitter. Criteria: CeGaT Center For Human Genetics Tuebingen Variant Classification Criteria Version 2. Collection method: clinical testing. Allele origin: germline. Affected: yes. Observed: 1 variant allele.
Comment: CACNB4: PM2